The following is an entry in ClinVar:

NM_001142864.4(PIEZO1):c.3696G>A (p.Leu1232=)

Gene: PIEZO1 (piezo type mechanosensitive ion channel component 1 (Er blood group); minus strand). Cytogenetic location: 16q24.3.
Variant type: single nucleotide variant.
Coding change: c.3696G>A on transcript NM_001142864.4 (MANE Select); coding-DNA position 3696, G replaced by A.
Protein change: p.Leu1232=; no amino-acid change (leucine 1232 retained).
Molecular consequence: synonymous variant.
Genome position (GRCh38, 1-based): chr16:88,726,718, C>T on the plus strand (G>A on the coding strand, the complement: PIEZO1 is on the minus strand). VCF-style: chr16-88726718-C-T. GRCh37 (hg19) VCF-style: chr16-88793126-C-T.
Other names: c.2238G>A, p.Leu746= (NM_014745.1).
Identifiers: ClinVar variation 3054229 (VCV003054229.4), dbSNP rs749151405, ClinGen allele CA8232427.

ClinVar aggregate classification (germline): Conflicting classifications of pathogenicity. Review status: criteria provided, conflicting classifications (1 of 4 stars). 3 submissions from 3 submitters: Uncertain significance (1); Likely benign (1). 1 of the submissions does not count toward it. Last evaluated 2024-11-26.

Conditions:
PIEZO1-related disorder. Also called: PIEZO1-related condition; PIEZO1-Related Disorders.

Allele frequency attached by ClinVar (database versions not stated): gnomAD 0.00002; TOPMed 0.00002; ExAC 0.00006.
gnomAD v4.1: 111 of 1,549,442 alleles (0.0072%); highest among the groups gnomAD compares: Middle Eastern, 0.017%; no homozygotes.

Submissions (3):

Revvity Omics, Revvity
Classification: Uncertain significance. Last evaluated: 2024-11-26. Review status: criteria provided, single submitter. Criteria: ACMG Guidelines, 2015. Collection method: clinical testing. Allele origin: germline.

Blueprint Genetics
Classification: Likely benign. Last evaluated: 2024-05-08. Review status: criteria provided, single submitter. Criteria: ACMG Guidelines, 2015. Collection method: clinical testing. Allele origin: germline.

PreventionGenetics, part of Exact Sciences
Classification: Likely benign for PIEZO1-related condition. Last evaluated: 2021-06-15. Review status: no assertion criteria provided. Collection method: clinical testing. Allele origin: germline. Not counted in ClinVar's aggregate classification.
Comment: This variant is classified as likely benign based on ACMG/AMP sequence variant interpretation guidelines (Richards et al. 2015 PMID: 25741868, with internal and published modifications).